The following is an entry in ClinVar:

ClinVar aggregate classification (germline): Pathogenic (0 of 4 stars; one submission).

Conditions:
Holoprosencephaly 3 (HPE3). Identifiers: Orphanet 2162, MedGen C1840529, MONDO:0007733, OMIM 142945.

Submission:

GeneReviews
Classification: Pathogenic for Holoprosencephaly. Last evaluated: 2013-08-29. Review status: no assertion criteria provided. Collection method: curation. Allele origin: unknown.
ClinVar note: Converted during submission from pathologic to Pathogenic.

NM_000193.4(SHH):c.38_45del (p.Val13fs)

Gene: SHH (sonic hedgehog signaling molecule; minus strand). Cytogenetic location: 7q36.3.
Variant type: Deletion.
Coding change: c.38_45del on transcript NM_000193.4 (MANE Select); coding-DNA positions 38 to 45, 8 bases deleted (TCTCCTCG; older notation c.38_45delTCTCCTCG).
Protein change: p.Val13fs; shifts the reading frame from valine 13.
Molecular consequence: frameshift variant.
Genome position (GRCh38, 1-based): chr7:155,812,078-155,812,085, CGAGGAGA deleted on the plus strand (TCTCCTCG on the coding strand, the reverse complement: SHH is on the minus strand); deleting any 8 consecutive bases within chr7:155,812,078-155,812,091 gives the same sequence; the c. name uses the placement nearest the transcript's 3' end. VCF-style (leftmost placement, unchanged base first): chr7-155812077-GCGAGGAGA-G. GRCh37 (hg19) VCF-style: chr7-155604771-GCGAGGAGA-G.
Other names: c.189-196del; short protein forms V13fs.
Identifiers: ClinVar variation 65854 (VCV000065854.2), dbSNP rs587778789, ClinGen allele CA345184.